The following is an entry in ClinVar:

ClinVar aggregate classification (germline): Uncertain significance (1 of 4 stars; one submission).

gnomAD v4.1: 711 of 1,613,956 alleles (0.044%); highest among the groups gnomAD compares: Non-Finnish European, 0.055%; 1 homozygote.

Submission:

Ambry Genetics
Classification: Uncertain significance. Last evaluated: 2025-08-13. Review status: criteria provided, single submitter. Criteria: Ambry Variant Classification Scheme 2023. Collection method: clinical testing. Allele origin: germline.
Comment: The c.853G>A (p.E285K) alteration is located in exon (coding exon ) of the SH3RF3 gene. This alteration results from a G to A substitution at nucleotide position 853, causing the glutamic acid (E) at amino acid position 285 to be replaced by a lysine (K). Based on insufficient or conflicting evidence, the clinical significance of this alteration remains unclear.

NM_001099289.3(SH3RF3):c.853G>A (p.Glu285Lys)

Genes: RANBP2 (RAN binding protein 2; plus strand), SH3RF3 (SH3 domain containing ring finger 3; plus strand). Cytogenetic location: 2q13.
Variant type: single nucleotide variant.
Coding change: c.853G>A on transcript NM_001099289.3 (MANE Select); coding-DNA position 853, G replaced by A.
Protein change: p.Glu285Lys; replaces glutamic acid 285 with lysine.
Molecular consequence: missense variant.
Genome position (GRCh38, 1-based): chr2:109,371,589, G>A. VCF-style: chr2-109371589-G-A. GRCh37 (hg19) VCF-style: chr2-109988045-G-A.
Other names: short protein forms E285K.
Identifiers: ClinVar variation 4164357 (VCV004164357.1).
Genomic context (GRCh38, chr2:109,371,589, plus strand): 5'-CTTTTTCATTGTGTGTGTGTCCGTATGCTTGTGTCCACGGTGGACCCGGAACTGCAGGAC[G>A]AGATTCTGACGGTGCTCAGGAGAGTGGATGAGAACTGGGCGGAAGGCATGCTGGGAGACA-3'
Protein context (NP_001092759.1, residues 275-295): DKDCLTFTKD[Glu285Lys]ILTVLRRVDE